The following is an entry in ClinVar:

NM_001142800.2(EYS):c.5133G>A (p.Met1711Ile)

Gene: EYS (eyes shut homolog; minus strand). Cytogenetic location: 6q12.
Variant type: single nucleotide variant.
Coding change: c.5133G>A on transcript NM_001142800.2 (MANE Select); coding-DNA position 5133, G replaced by A.
Protein change: p.Met1711Ile; replaces methionine 1711 with isoleucine.
Molecular consequence: missense variant.
Genome position (GRCh38, 1-based): chr6:64,590,734, C>T on the plus strand (G>A on the coding strand, the complement: EYS is on the minus strand). VCF-style: chr6-64590734-C-T. GRCh37 (hg19) VCF-style: chr6-65300627-C-T.
Other names: c.5133G>A, p.Met1711Ile (NM_001292009.2); c.5133G>A (NM_001142800.1); short protein forms M1711I.
Identifiers: ClinVar variation 1060350 (VCV001060350.7), dbSNP rs545862713, ClinGen allele CA140340905.

ClinVar aggregate classification (germline): Uncertain significance. Review status: criteria provided, multiple submitters, no conflicts (2 of 4 stars). 2 submissions from 2 submitters: Uncertain significance (2). Last evaluated 2023-10-17.

Conditions:
Inborn genetic diseases. Identifiers: MedGen C0950123, MeSH D030342.

Allele frequency attached by ClinVar (database versions not stated): gnomAD 0.00001; 1000 Genomes Project 30x 0.00016; 1000 Genomes Project 0.00020.

Submissions (2):

Ambry Genetics
Classification: Uncertain significance for Inborn genetic diseases. Last evaluated: 2023-10-17. Review status: criteria provided, single submitter. Criteria: Ambry Variant Classification Scheme 2023. Collection method: clinical testing. Allele origin: germline.

Labcorp Genetics (formerly Invitae), Labcorp
Classification: Uncertain significance. Last evaluated: 2021-09-02. Review status: criteria provided, single submitter. Criteria: Invitae Variant Classification Sherloc (09022015). Collection method: clinical testing. Allele origin: germline.
Comment: This sequence change replaces methionine with isoleucine at codon 1711 of the EYS protein (p.Met1711Ile). The methionine residue is weakly conserved and there is a small physicochemical difference between methionine and isoleucine. This variant is not present in population databases (ExAC no frequency). This variant has not been reported in the literature in individuals affected with EYS-related conditions. Algorithms developed to predict the effect of missense changes on protein structure and function output the following: SIFT: "Tolerated"; PolyPhen-2: "Benign"; Align-GVGD: "Class C0". The isoleucine amino acid residue is found in multiple mammalian species, which suggests that this missense change does not adversely affect protein function. Algorithms developed to predict the effect of sequence changes on RNA splicing suggest that this variant may create or strengthen a splice site. In summary, the available evidence is currently insufficient to determine the role of this variant in disease. Therefore, it has been classified as a Variant of Uncertain Significance.